The following is an entry in ClinVar:

NM_000057.4(BLM):c.1235C>T (p.Thr412Met)

Gene: BLM (BLM RecQ like helicase; plus strand). Cytogenetic location: 15q26.1.
Variant type: single nucleotide variant.
Coding change: c.1235C>T on transcript NM_000057.4 (MANE Select); coding-DNA position 1235, C replaced by T.
Protein change: p.Thr412Met; replaces threonine 412 with methionine.
Molecular consequence: missense variant.
Genome position (GRCh38, 1-based): chr15:90,760,608, C>T. VCF-style: chr15-90760608-C-T. GRCh37 (hg19) VCF-style: chr15-91303838-C-T.
Other names: c.1235C>T, p.Thr412Met (NM_001287246.2, NM_001287247.2); c.110C>T, p.Thr37Met (NM_001287248.2); short protein forms T412M, T37M.
Identifiers: ClinVar variation 405299 (VCV000405299.20), dbSNP rs775209685, ClinGen allele CA7738508.

ClinVar aggregate classification (germline): Uncertain significance. Review status: criteria provided, multiple submitters, no conflicts (2 of 4 stars). 5 submissions from 5 submitters: Uncertain significance (4). 1 of the submissions does not count toward it. Last evaluated 2026-02-02.

Conditions:
Hereditary cancer-predisposing syndrome. Also called: Tumor predisposition; Hereditary neoplastic syndrome; Neoplastic Syndromes, Hereditary; Hereditary Cancer Syndrome. Identifiers: Orphanet 140162, MedGen C0027672, MeSH D009386, MONDO:0015356.
Bloom syndrome (BLM). Also called: Bloom-Torre-Machacek syndrome. Identifiers: Orphanet 125, MedGen C0005859, MONDO:0008876, OMIM 210900.

Allele frequency attached by ClinVar (database versions not stated): ExAC 0.00001; gnomAD 0.00001 and 0.00002; gnomAD exomes 0.00001 and 0.00002; TOPMed 0.00005.
gnomAD v4.1: 22 of 1,610,858 alleles (0.0014%); highest among the groups gnomAD compares: Admixed American, 0.0067%; no homozygotes.

Submissions (5):

Women's Health and Genetics/Laboratory Corporation of America, LabCorp
Classification: Uncertain significance. Last evaluated: 2026-02-02. Review status: criteria provided, single submitter. Criteria: LabCorp Variant Classification Summary - May 2015. Collection method: clinical testing. Allele origin: germline.
Comment: Variant summary: BLM c.1235C>T (p.Thr412Met) results in a non-conservative amino acid change in the encoded protein sequence. Algorithms developed to predict the effect of missense changes on protein structure and function are either unavailable or do not agree on the potential impact of this missense change. The variant allele was found at a frequency of 2e-05 in 249736 control chromosomes. The available data on variant occurrences in the general population are insufficient to allow any conclusion about variant significance. To our knowledge, no occurrence of c.1235C>T in individuals affected with BLM-related conditions and no experimental evidence demonstrating its impact on protein function have been reported. ClinVar contains an entry for this variant (Variation ID: 405299). Based on the evidence outlined above, the variant was classified as uncertain significance.

Labcorp Genetics (formerly Invitae), Labcorp
Classification: Uncertain significance for Bloom syndrome. Last evaluated: 2025-12-23. Review status: criteria provided, single submitter. Criteria: Invitae Variant Classification Sherloc (09022015). Collection method: clinical testing. Allele origin: germline.
Comment: This sequence change replaces threonine, which is neutral and polar, with methionine, which is neutral and non-polar, at codon 412 of the BLM protein (p.Thr412Met). This variant is present in population databases (rs775209685, gnomAD 0.009%). This variant has not been reported in the literature in individuals affected with BLM-related conditions. ClinVar contains an entry for this variant (Variation ID: 405299). Invitae Evidence Modeling of protein sequence and biophysical properties (such as structural, functional, and spatial information, amino acid conservation, physicochemical variation, residue mobility, and thermodynamic stability) indicates that this missense variant is not expected to disrupt BLM protein function with a negative predictive value of 80%. In summary, the available evidence is currently insufficient to determine the role of this variant in disease. Therefore, it has been classified as a Variant of Uncertain Significance.

Ambry Genetics
Classification: Uncertain significance for Hereditary cancer-predisposing syndrome. Last evaluated: 2025-10-09. Review status: criteria provided, single submitter. Criteria: Ambry Variant Classification Scheme 2023. Collection method: clinical testing. Allele origin: germline.
Comment: The p.T412M variant (also known as c.1235C>T), located in coding exon 6 of the BLM gene, results from a C to T substitution at nucleotide position 1235. The threonine at codon 412 is replaced by methionine, an amino acid with similar properties. This amino acid position is poorly conserved in available vertebrate species. In addition, this alteration is predicted to be tolerated by in silico analysis. Since supporting evidence is limited at this time, the clinical significance of this alteration remains unclear.

Quest Diagnostics Nichols Institute San Juan Capistrano
Classification: Uncertain significance. Last evaluated: 2025-04-22. Review status: criteria provided, single submitter. Criteria: Quest Diagnostics criteria. Collection method: clinical testing. Allele origin: unknown.
Comment: The BLM c.1235C>T (p.Thr412Met) variant has not been reported in individuals with BLM-related conditions in the published literature. The frequency of this variant in the general population (Genome Aggregation Database) is uninformative in the assessment of its pathogenicity. Analysis of this variant using bioinformatics tools for the prediction of the effect of amino acid changes on protein structure and function yielded predictions that this variant is benign. Based on the available information, we are unable to determine the clinical significance of this variant.

Natera, Inc.
Classification: Uncertain significance for Bloom syndrome. Last evaluated: 2018-06-25. Review status: no assertion criteria provided. Collection method: clinical testing. Allele origin: germline. Not counted in ClinVar's aggregate classification.

Literature cited by the submitters: PubMed 30082870 (cited by Quest Diagnostics Nichols Institute San Juan Capistrano); PubMed 27270107 (cited by Quest Diagnostics Nichols Institute San Juan Capistrano).